The following is an entry in ClinVar:

ClinVar aggregate classification (germline): Pathogenic (1 of 4 stars; one submission).

Conditions:
Multiple acyl-CoA dehydrogenase deficiency (MADD). Also called: Glutaric acidemia type II; GA 2; Glutaric aciduria, type 2; ETHYLMALONIC-ADIPICACIDURIA; GA II; Glutaric Acidemia type 2. Identifiers: Orphanet 26791, MedGen C0268596, MONDO:0009282, OMIM 231680.

Submission:

Labcorp Genetics (formerly Invitae), Labcorp
Classification: Pathogenic for Multiple acyl-CoA dehydrogenase deficiency. Last evaluated: 2023-08-30. Review status: criteria provided, single submitter. Criteria: Invitae Variant Classification Sherloc (09022015). Collection method: clinical testing. Allele origin: germline.
Comment: For these reasons, this variant has been classified as Pathogenic. This variant has not been reported in the literature in individuals affected with ETFDH-related conditions. This variant is not present in population databases (gnomAD no frequency). This sequence change creates a premature translational stop signal (p.Arg452Ilefs*2) in the ETFDH gene. It is expected to result in an absent or disrupted protein product. Loss-of-function variants in ETFDH are known to be pathogenic (PMID: 16510302, 23785301).

Literature cited by the submitters: PubMed 16510302; PubMed 23785301.

NM_004453.4(ETFDH):c.1355_1358del (p.Arg452fs)

Gene: ETFDH (electron transfer flavoprotein dehydrogenase; plus strand). Cytogenetic location: 4q32.1.
Variant type: Deletion.
Coding change: c.1355_1358del on transcript NM_004453.4 (MANE Select); coding-DNA positions 1355 to 1358, 4 bases deleted (GAAA; older notation c.1355_1358delGAAA).
Protein change: p.Arg452fs; shifts the reading frame from arginine 452.
Molecular consequence: frameshift variant.
Genome position (GRCh38, 1-based): chr4:158,706,258-158,706,261, GAAA deleted; deleting any 4 consecutive bases within chr4:158,706,257-158,706,261 gives the same sequence; the c. name uses the placement nearest the transcript's 3' end. VCF-style (leftmost placement, unchanged base first): chr4-158706256-TAGAA-T. GRCh37 (hg19) VCF-style: chr4-159627408-TAGAA-T.
Other names: c.1214_1217del, p.Arg405fs (NM_001281737.2); c.1172_1175del, p.Arg391fs (NM_001281738.1); short protein forms R405fs, R391fs, R452fs.
Identifiers: ClinVar variation 2857418 (VCV002857418.3), dbSNP rs2476732154, ClinGen allele CA2739270330.